The following is an entry in ClinVar:

NM_000552.5(VWF):c.2376C>G (p.Cys792Trp)

Gene: VWF (von Willebrand factor; minus strand). Cytogenetic location: 12p13.31.
Variant type: single nucleotide variant.
Coding change: c.2376C>G on transcript NM_000552.5 (MANE Select); coding-DNA position 2376, C replaced by G.
Protein change: p.Cys792Trp; replaces cysteine 792 with tryptophan.
Molecular consequence: missense variant.
Genome position (GRCh38, 1-based): chr12:6,044,357, G>C on the plus strand (C>G on the coding strand, the complement: VWF is on the minus strand). VCF-style: chr12-6044357-G-C. GRCh37 (hg19) VCF-style: chr12-6153523-G-C.
Other names: short protein forms C792W.
Identifiers: ClinVar variation 1065274 (VCV001065274.3), dbSNP rs2136440319, ClinGen allele CA383522119.
Genomic context (GRCh38, chr12:6,044,357, plus strand): 5'-CGGGGGGCAGAGGCAGCCAGAGACACAGCCCATGCTCATGCACTCCAGGTCATAGTTCTG[G>C]CACGTTTTGGTACACTCGAGCCCTTCAGCCCGCAGGTTGTCAGCGGGACACACCAGCTTG-3'
Protein context (NP_000543.3, residues 782-802): RAEGLECTKT[Cys792Trp]QNYDLECMSM

ClinVar aggregate classification (germline): Likely pathogenic (0 of 4 stars; one submission).

Conditions:
von Willebrand disease type 3 (VWD3). Also called: Type 3 Von Willebrand's disease; Type 3 VWD; Von Willebrand disease, severe form; V WD3; VON WILLEBRAND DISEASE, TYPE III. Identifiers: Orphanet 166096, MedGen C1264041, MONDO:0010191, OMIM 277480.

Submission:

Angelo Bianchi Bonomi Hemophilia and Thrombosis Center, Fondazione IRCCS Ca Granda Ospedale Maggiore Policlinico
Classification: Likely pathogenic for von Willebrand disease type 3. Last evaluated: 2020-11-01. Review status: no assertion criteria provided. Collection method: clinical testing. Allele origin: germline. Affected: yes. Study: Type 3 Von Willebrand International Registries Inhibitor Prospective Study (3WINTERS-IPS).
Comment: ClinGen Pathogenicity Calculator